The following is an entry in ClinVar:

NM_001122630.2(CDKN1C):c.261dup (p.Arg88fs)

Gene: CDKN1C (cyclin dependent kinase inhibitor 1C; minus strand). Cytogenetic location: 11p15.4.
Variant type: Duplication.
Coding change: c.261dup on transcript NM_001122630.2 (MANE Select); coding-DNA position 261, one base duplicated (G; older notation c.261dupG).
Protein change: p.Arg88fs; shifts the reading frame from arginine 88.
Molecular consequence: frameshift variant. On other transcripts: intron variant (1).
Genome position (GRCh38, 1-based): chr11:2,885,196, C duplicated on the plus strand (G on the coding strand, the reverse complement: CDKN1C is on the minus strand); the first of 4 consecutive C bases (chr11:2,885,196-2,885,199); duplicating any one gives the same sequence. VCF-style (leftmost placement, unchanged base first): chr11-2885195-G-GC. GRCh37 (hg19) VCF-style: chr11-2906425-G-GC.
Other names: c.294dup, p.Arg99fs (NM_000076.2, NM_001362474.2); c.261dup, p.Arg88fs (NM_001122631.2); c.255+6dup (NM_001362475.2); short protein forms R99fs, R88fs.
Identifiers: ClinVar variation 2747542 (VCV002747542.3), dbSNP rs2133785467, ClinGen allele CA2697548340.

ClinVar aggregate classification (germline): Pathogenic (1 of 4 stars; one submission).

Conditions:
Beckwith-Wiedemann syndrome (BWS). Also called: Exomphalos macroglossia gigantism syndrome; EMG SYNDROME. Identifiers: Orphanet 116, MedGen C0004903, MONDO:0007534, OMIM 130650.

Submission:

Labcorp Genetics (formerly Invitae), Labcorp
Classification: Pathogenic for Beckwith-Wiedemann syndrome. Last evaluated: 2023-07-28. Review status: criteria provided, single submitter. Criteria: Invitae Variant Classification Sherloc (09022015). Collection method: clinical testing. Allele origin: germline.
Comment: For these reasons, this variant has been classified as Pathogenic. This variant has not been reported in the literature in individuals affected with CDKN1C-related conditions. This variant is not present in population databases (gnomAD no frequency). This sequence change creates a premature translational stop signal (p.Arg99Alafs*26) in the CDKN1C gene. It is expected to result in an absent or disrupted protein product. Loss-of-function variants in CDKN1C are known to be pathogenic (PMID: 20503313).

Literature cited by the submitters: PubMed 20503313.